The following is an entry in ClinVar:

ClinVar aggregate classification (germline): Uncertain significance (1 of 4 stars; one submission).

Conditions:
GLE1-related disorder. Also called: GLE1-related condition; GLE1-related disorders.

gnomAD v4.1: 4 of 1,613,810 alleles (0.00025%); highest among the groups gnomAD compares: East Asian, 0.0022%; no homozygotes.

Submission:

PreventionGenetics, part of Exact Sciences
Classification: Uncertain significance for GLE1-related condition. Last evaluated: 2025-12-08. Review status: criteria provided, single submitter. Criteria: ACMG Guidelines, 2015. Collection method: clinical testing. Allele origin: germline.
Comment: The GLE1 c.1732G>A variant is predicted to result in the amino acid substitution p.Ala578Thr. To our knowledge, this variant has not been reported in the literature. This variant is reported in 0.0096% of alleles in individuals of Ashkenazi Jewish descent in gnomAD. At this time, the clinical significance of this variant is uncertain due to the absence of conclusive functional and genetic evidence.

NM_001003722.2(GLE1):c.1732G>A (p.Ala578Thr)

Genes: GLE1 (GLE1 RNA export mediator; plus strand), LOC101929270 (uncharacterized LOC101929270; minus strand). Cytogenetic location: 9q34.11.
Variant type: single nucleotide variant.
Coding change: c.1732G>A on transcript NM_001003722.2 (MANE Select); coding-DNA position 1732, G replaced by A.
Protein change: p.Ala578Thr; replaces alanine 578 with threonine.
Molecular consequence: missense variant.
Genome position (GRCh38, 1-based): chr9:128,536,440, G>A. VCF-style: chr9-128536440-G-A. GRCh37 (hg19) VCF-style: chr9-131298719-G-A.
Other names: c.1759G>A, p.Ala587Thr (NM_001411013.1); c.1732G>A, p.Ala578Thr (NM_001499.2); short protein forms A578T, A587T.
Identifiers: ClinVar variation 4992645 (VCV004992645.1).